The following is an entry in ClinVar:

ClinVar aggregate classification (germline): Uncertain significance (1 of 4 stars; one submission).

Conditions:
Hypertrophic cardiomyopathy. Also called: HYPERTROPHIC MYOCARDIOPATHY. Identifiers: Orphanet 217569, MedGen C0007194, MeSH D002312, MONDO:0005045, HP:0001639.

Allele frequency attached by ClinVar (database versions not stated): ExAC 0.00001; gnomAD 0.00001.
gnomAD v4.1: 13 of 1,613,814 alleles (0.00081%); highest among the groups gnomAD compares: Middle Eastern, 0.016%; no homozygotes.

Submission:

Labcorp Genetics (formerly Invitae), Labcorp
Classification: Uncertain significance for Hypertrophic cardiomyopathy. Last evaluated: 2025-07-03. Review status: criteria provided, single submitter. Criteria: Invitae Variant Classification Sherloc (09022015). Collection method: clinical testing. Allele origin: germline.
Comment: This sequence change replaces glutamine, which is neutral and polar, with histidine, which is basic and polar, at codon 624 of the MYOM1 protein (p.Gln624His). This variant is present in population databases (rs771542759, gnomAD 0.01%). This variant has not been reported in the literature in individuals affected with MYOM1-related conditions. ClinVar contains an entry for this variant (Variation ID: 1057653). Invitae Evidence Modeling of protein sequence and biophysical properties (such as structural, functional, and spatial information, amino acid conservation, physicochemical variation, residue mobility, and thermodynamic stability) indicates that this missense variant is expected to disrupt MYOM1 protein function with a positive predictive value of 80%. In summary, the available evidence is currently insufficient to determine the role of this variant in disease. Therefore, it has been classified as a Variant of Uncertain Significance.

NM_003803.4(MYOM1):c.1872G>C (p.Gln624His)

Gene: MYOM1 (myomesin 1; minus strand). Cytogenetic location: 18p11.31.
Variant type: single nucleotide variant.
Coding change: c.1872G>C on transcript NM_003803.4 (MANE Select); coding-DNA position 1872, G replaced by C.
Protein change: p.Gln624His; replaces glutamine 624 with histidine.
Molecular consequence: missense variant.
Genome position (GRCh38, 1-based): chr18:3,149,173, C>G on the plus strand (G>C on the coding strand, the complement: MYOM1 is on the minus strand). VCF-style: chr18-3149173-C-G. GRCh37 (hg19) VCF-style: chr18-3149171-C-G.
Other names: c.1872G>C, p.Gln624His (NM_019856.2); short protein forms Q624H.
Identifiers: ClinVar variation 1057653 (VCV001057653.9), dbSNP rs771542759, ClinGen allele CA8874821.